The following is an entry in ClinVar:

ClinVar aggregate classification (germline): Pathogenic. Review status: reviewed by expert panel (3 of 4 stars). 2 submissions from 2 submitters: Pathogenic (1). 1 of the submissions does not count toward it. Last evaluated 2016-10-18.

Conditions:
Breast-ovarian cancer, familial, susceptibility to, 1 (BROVCA1). Also called: BRCA1 Hereditary Breast and Ovarian Cancer; OVARIAN CANCER, SUSCEPTIBILITY TO. Identifiers: Orphanet 145, MedGen C2676676, MONDO:0011450, OMIM 604370. Disease mechanism: loss of function.

Submissions (2):

Evidence-based Network for the Interpretation of Germline Mutant Alleles (ENIGMA)
Classification: Pathogenic for Breast-ovarian cancer, familial, susceptibility to, 1. Last evaluated: 2016-10-18. Review status: reviewed by expert panel. Criteria: ENIGMA BRCA1/2 Classification Criteria (2015). Collection method: curation. Allele origin: germline.
Comment: Variant allele predicted to encode a truncated non-functional protein.

Consortium of Investigators of Modifiers of BRCA1/2 (CIMBA), c/o University of Cambridge
Classification: Pathogenic for Breast-ovarian cancer, familial, susceptibility to, 1. Last evaluated: 2015-10-02. Review status: criteria provided, single submitter. Criteria: CIMBA Mutation Classification guidelines May 2016. Collection method: clinical testing. Allele origin: germline. Not counted in ClinVar's aggregate classification.

NM_007294.4(BRCA1):c.743_744insA (p.Thr249fs)

Gene: BRCA1 (BRCA1 DNA repair associated; minus strand). Cytogenetic location: 17q21.31.
Variant type: Insertion.
Coding change: c.743_744insA on transcript NM_007294.4 (MANE Select); coding-DNA positions 743 to 744, A inserted.
Protein change: p.Thr249fs; shifts the reading frame from threonine 249.
Molecular consequence: frameshift variant. On other transcripts: non-coding transcript variant (1).
Genome position: GRCh38 VCF-style: chr17-43094787-G-GT. GRCh37 (hg19) VCF-style: chr17-41246804-G-GT.
Other names: 862insA; c.617_618insA, p.Thr207Hisfs (NM_001407691.1, NM_001407940.1, NM_001407941.1 and 20 more transcripts); c.602_603insA, p.Thr202Hisfs (NM_001407692.1, NM_001407694.1, NM_001407695.1 and 42 more transcripts); c.599_600insA, p.Thr201Hisfs (NM_001407740.1, NM_001407741.1, NM_001407742.1 and 26 more transcripts); c.530_531insA, p.Thr178Hisfs (NM_001407853.1, NM_001407894.1, NM_001407895.1 and 12 more transcripts); c.743_744insA, p.Thr249Hisfs (NM_001407854.1, NM_001407858.1, NM_001407859.1 and 52 more transcripts); c.740_741insA, p.Thr248Hisfs (NM_001407860.1, NM_001407861.1, NM_001407972.1 and 38 more transcripts); c.542_543insA, p.Thr182Hisfs (NM_001407862.1, NM_001408474.1, NM_001408476.1); and 17 more; short protein forms T249fs, T202fs.
Identifiers: ClinVar variation 266575 (VCV000266575.6), dbSNP rs886040315, ClinGen allele CA10589997.